The following is an entry in ClinVar:

NM_001202.6(BMP4):c.899G>A (p.Arg300Gln)

Gene: BMP4 (bone morphogenetic protein 4; minus strand). Cytogenetic location: 14q22.2.
Variant type: single nucleotide variant.
Coding change: c.899G>A on transcript NM_001202.6 (MANE Select); coding-DNA position 899, G replaced by A.
Protein change: p.Arg300Gln; replaces arginine 300 with glutamine.
Molecular consequence: missense variant.
Genome position (GRCh38, 1-based): chr14:53,950,360, C>T on the plus strand (G>A on the coding strand, the complement: BMP4 is on the minus strand). VCF-style: chr14-53950360-C-T. GRCh37 (hg19) VCF-style: chr14-54417078-C-T.
Other names: c.1040G>A, p.Arg347Gln (NM_001347912.1); c.710G>A, p.Arg237Gln (NM_001347913.2, NM_001347915.2, NM_001347917.1); c.899G>A, p.Arg300Gln (NM_001347914.2, NM_001347916.1, NM_130850.5 and 1 more transcripts); short protein forms R237Q, R347Q, R300Q.
Identifiers: ClinVar variation 4787512 (VCV004787512.1).

ClinVar aggregate classification (germline): Uncertain significance (1 of 4 stars; one submission).

Conditions:
Orofacial cleft 11 (OFC11). Also called: Orofacial cleft 11; ofc11; CLEFT LIP WITH OR WITHOUT CLEFT PALATE, NONSYNDROMIC, 11. Identifiers: MedGen C2677434, MONDO:0010906, OMIM 600625.
Microphthalmia with brain and digit anomalies (MCOPS6). Also called: MICROPHTHALMIA AND PITUITARY ANOMALIES; Microphthalmia, syndromic 6. Identifiers: Orphanet 139471, MedGen C1864689, MONDO:0011936, OMIM 607932.

Submission:

Labcorp Genetics (formerly Invitae), Labcorp
Classification: Uncertain significance for Microphthalmia with brain and digit anomalies; Orofacial cleft 11. Last evaluated: 2026-02-01. Review status: criteria provided, single submitter. Criteria: Invitae Variant Classification Sherloc (09022015). Collection method: clinical testing. Allele origin: germline.
Comment: This sequence change replaces arginine, which is basic and polar, with glutamine, which is neutral and polar, at codon 300 of the BMP4 protein (p.Arg300Gln). This variant is present in population databases (no rsID available, gnomAD 0.01%). This variant has not been reported in the literature in individuals affected with BMP4-related conditions. Invitae Evidence Modeling of protein sequence and biophysical properties (such as structural, functional, and spatial information, amino acid conservation, physicochemical variation, residue mobility, and thermodynamic stability) indicates that this missense variant is not expected to disrupt BMP4 protein function with a negative predictive value of 80%. In summary, the available evidence is currently insufficient to determine the role of this variant in disease. Therefore, it has been classified as a Variant of Uncertain Significance.